The following is an entry in ClinVar:

NM_002890.3(RASA1):c.2227C>T (p.His743Tyr)

Genes: CCNH (cyclin H; minus strand), RASA1 (RAS p21 protein activator 1; plus strand). Cytogenetic location: 5q14.3.
Variant type: single nucleotide variant.
Coding change: c.2227C>T on transcript NM_002890.3 (MANE Select); coding-DNA position 2227, C replaced by T.
Protein change: p.His743Tyr; replaces histidine 743 with tyrosine.
Molecular consequence: missense variant. On other transcripts: intron variant (1).
Genome position (GRCh38, 1-based): chr5:87,376,923, C>T. VCF-style: chr5-87376923-C-T. GRCh37 (hg19) VCF-style: chr5-86672740-C-T.
Other names: c.1696C>T, p.His566Tyr (NM_022650.3); c.933+18121G>A (NM_001364075.2); short protein forms H566Y, H743Y.
Identifiers: ClinVar variation 4862976 (VCV004862976.1).

ClinVar aggregate classification (germline): Uncertain significance (1 of 4 stars; one submission).

Conditions:
Cardiovascular phenotype. Identifiers: MedGen CN230736.

gnomAD v4.1: 1 of 1,610,438 alleles (0.000062%); no homozygotes.

Submission:

Ambry Genetics
Classification: Uncertain significance for Cardiovascular phenotype. Last evaluated: 2026-05-14. Review status: criteria provided, single submitter. Criteria: Ambry Variant Classification Scheme 2023. Collection method: clinical testing. Allele origin: germline.
Comment: The p.H743Y variant (also known as c.2227C>T), located in coding exon 17 of the RASA1 gene, results from a C to T substitution at nucleotide position 2227. The histidine at codon 743 is replaced by tyrosine, an amino acid with similar properties. This amino acid position is conserved. In addition, this alteration is predicted to be tolerated by in silico analysis. Based on the available evidence, the clinical significance of this variant remains unclear.